The following is an entry in ClinVar:

ClinVar aggregate classification (germline): Uncertain significance. Review status: criteria provided, multiple submitters, no conflicts (2 of 4 stars). 2 submissions from 2 submitters: Uncertain significance (2). Last evaluated 2025-05-20.

Conditions:
Arrhythmogenic cardiomyopathy with wooly hair and keratoderma. Also called: Dilated cardiomyopathy with woolly hair and keratoderma; Carvajal syndrome; PALMOPLANTAR KERATODERMA WITH LEFT VENTRICULAR CARDIOMYOPATHY AND WOOLLY HAIR; Arrhythmogenic cardiomyopathy with woolly hair and keratoderma. Identifiers: Orphanet 65282, MedGen C1854063, MONDO:0011581, OMIM 605676.
Arrhythmogenic right ventricular dysplasia 8 (ARVD8). Also called: ARRHYTHMOGENIC RIGHT VENTRICULAR DYSPLASIA, FAMILIAL, 8; ARRHYTHMOGENIC RIGHT VENTRICULAR CARDIOMYOPATHY 8; Arrhythmogenic Right Ventricular Dysplasia/Cardiomyopathy 8. Identifiers: MedGen C1843896, MONDO:0011831, OMIM 607450.
Cardiomyopathy (CMYO). Also called: Cardiomyopathies. Identifiers: Orphanet 167848, MedGen C0878544, MONDO:0004994, HP:0001638. Inheritance: Various modes of inheritance.

Submissions (2):

Color Diagnostics, LLC DBA Color Health
Classification: Uncertain significance for Cardiomyopathy. Last evaluated: 2025-05-20. Review status: criteria provided, single submitter. Criteria: ACMG Guidelines, 2015. Collection method: clinical testing. Allele origin: germline.
Comment: This missense variant replaces glutamic acid with aspartic acid at codon 2615 of the DSP protein. Computational prediction suggests that this variant may not impact protein structure and function. To our knowledge, functional studies have not been reported for this variant. This variant has not been reported in individuals affected with DSP-related disorders in the literature. This variant has not been identified in the general population by the Genome Aggregation Database (gnomAD). The available evidence is insufficient to determine the role of this variant in disease conclusively. Therefore, this variant is classified as a Variant of Uncertain Significance.

Labcorp Genetics (formerly Invitae), Labcorp
Classification: Uncertain significance for Arrhythmogenic cardiomyopathy with wooly hair and keratoderma; Arrhythmogenic right ventricular dysplasia 8. Last evaluated: 2018-05-03. Review status: criteria provided, single submitter. Criteria: Invitae Variant Classification Sherloc (09022015). Collection method: clinical testing. Allele origin: germline.
Comment: In summary, the available evidence is currently insufficient to determine the role of this variant in disease. Therefore, it has been classified as a Variant of Uncertain Significance. Algorithms developed to predict the effect of missense changes on protein structure and function (SIFT, PolyPhen-2, Align-GVGD) all suggest that this variant is likely to be disruptive, but these predictions have not been confirmed by published functional studies and their clinical significance is uncertain. This variant has not been reported in the literature in individuals with DSP-related disease. This variant is not present in population databases (ExAC no frequency). This sequence change replaces glutamic acid with aspartic acid at codon 2615 of the DSP protein (p.Glu2615Asp). The glutamic acid residue is highly conserved and there is a small physicochemical difference between glutamic acid and aspartic acid.

NM_004415.4(DSP):c.7845A>C (p.Glu2615Asp)

Gene: DSP (desmoplakin; plus strand). Cytogenetic location: 6p24.3.
Variant type: single nucleotide variant.
Coding change: c.7845A>C on transcript NM_004415.4 (MANE Select); coding-DNA position 7845, A replaced by C.
Protein change: p.Glu2615Asp; replaces glutamic acid 2615 with aspartic acid.
Molecular consequence: missense variant.
Genome position (GRCh38, 1-based): chr6:7,585,107, A>C. VCF-style: chr6-7585107-A-C. GRCh37 (hg19) VCF-style: chr6-7585340-A-C.
Other names: c.6048A>C, p.Glu2016Asp (NM_001008844.3); c.6516A>C, p.Glu2172Asp (NM_001319034.2); short protein forms E2016D, E2615D, E2172D.
Identifiers: ClinVar variation 1035749 (VCV001035749.9), dbSNP rs1367058874, ClinGen allele CA362693904.